The following is an entry in ClinVar:

ClinVar aggregate classification (germline): Uncertain significance (1 of 4 stars; one submission).

Conditions:
Long QT syndrome (LQTS). Identifiers: MedGen C0023976, MeSH D008133, MONDO:0002442. Disease mechanism: loss of function. Inheritance: Various modes of inheritance.

Submission:

Labcorp Genetics (formerly Invitae), Labcorp
Classification: Uncertain significance for Long QT syndrome. Last evaluated: 2018-02-13. Review status: criteria provided, single submitter. Criteria: Invitae Variant Classification Sherloc (09022015). Collection method: clinical testing. Allele origin: germline.
Comment: In summary, the available evidence is currently insufficient to determine the role of this variant in disease. Therefore, it has been classified as a Variant of Uncertain Significance. Algorithms developed to predict the effect of sequence changes on RNA splicing suggest that this variant may create or strengthen a splice site, but this prediction has not been confirmed by published transcriptional studies. Algorithms developed to predict the effect of missense changes on protein structure and function do not agree on the potential impact of this missense change (SIFT: "Deleterious"; PolyPhen-2: "Possibly Damaging"; Align-GVGD: "Class C0"). This variant has not been reported in the literature in individuals with ANK2-related disease. This variant is not present in population databases (ExAC no frequency). This sequence change replaces glycine with valine at codon 2394 of the ANK2 protein (p.Gly2394Val). The glycine residue is weakly conserved and there is a moderate physicochemical difference between glycine and valine.

NM_001148.6(ANK2):c.7181G>T (p.Gly2394Val)

Genes: ANK2 (ankyrin 2; plus strand), LOC126807137 (CDK7 strongly-dependent group 2 enhancer GRCh37_chr4:114276560-114277759; plus strand). Cytogenetic location: 4q26.
Variant type: single nucleotide variant.
Coding change: c.7181G>T on transcript NM_001148.6 (MANE Select); coding-DNA position 7181, G replaced by T.
Protein change: p.Gly2394Val; replaces glycine 2394 with valine.
Molecular consequence: missense variant. On other transcripts: intron variant (68).
Genome position (GRCh38, 1-based): chr4:113,355,799, G>T. VCF-style: chr4-113355799-G-T. GRCh37 (hg19) VCF-style: chr4-114276955-G-T.
Other names: c.6947G>T, p.Gly2316Val (NM_001386142.1); c.3581G>T, p.Gly1194Val (NM_001386166.1); c.7322G>T, p.Gly2441Val (NM_001386174.1); c.7298G>T, p.Gly2433Val (NM_001386175.1); c.4412-5024G>T (NM_001386186.2, NM_001386148.2); c.4214-5024G>T (NM_001354269.3); c.4292-5024G>T (NM_001386187.2); c.4253-5024G>T (NM_001386147.1); and 35 more; short protein forms G2394V, G1194V, G2316V, G2433V, G2441V.
Identifiers: ClinVar variation 582421 (VCV000582421.6), dbSNP rs1564019461, ClinGen allele CA357929750.